The following is an entry in ClinVar:

ClinVar aggregate classification (germline): Uncertain significance (1 of 4 stars; one submission).

Conditions:
Curry-Hall syndrome (WAD). Also called: WEYERS ACRODENTAL DYSOSTOSIS. Identifiers: Orphanet 952, MedGen C0457013, MONDO:0008673, OMIM 193530.
Ellis-van Creveld syndrome (EVC). Also called: Chondroectodermal dysplasia; EVC-Related Ellis-van Creveld Syndrome; EVC2-Related Ellis-van Creveld Syndrome; MESOECTODERMAL DYSPLASIA. Identifiers: Orphanet 289, MedGen C0013903, MONDO:0009162, OMIM 225500.

Submission:

Labcorp Genetics (formerly Invitae), Labcorp
Classification: Uncertain significance for Curry-Hall syndrome; Ellis-van Creveld syndrome. Last evaluated: 2018-12-23. Review status: criteria provided, single submitter. Criteria: Invitae Variant Classification Sherloc (09022015). Collection method: clinical testing. Allele origin: germline.
Comment: This sequence change replaces glycine with valine at codon 409 of the EVC protein (p.Gly409Val). The glycine residue is weakly conserved and there is a moderate physicochemical difference between glycine and valine. This variant is not present in population databases (ExAC no frequency). This variant has not been reported in the literature in individuals with EVC-related conditions. Algorithms developed to predict the effect of missense changes on protein structure and function output the following: SIFT: "Tolerated"; PolyPhen-2: "Benign"; Align-GVGD: "Class C0". The valine amino acid residue is found in multiple mammalian species, suggesting that this missense change does not adversely affect protein function. These predictions have not been confirmed by published functional studies and their clinical significance is uncertain. In summary, the available evidence is currently insufficient to determine the role of this variant in disease. Therefore, it has been classified as a Variant of Uncertain Significance.

NM_153717.3(EVC):c.1226G>T (p.Gly409Val)

Gene: EVC (EvC ciliary complex subunit 1; plus strand). Cytogenetic location: 4p16.2.
Variant type: single nucleotide variant.
Coding change: c.1226G>T on transcript NM_153717.3 (MANE Select); coding-DNA position 1226, G replaced by T.
Protein change: p.Gly409Val; replaces glycine 409 with valine.
Molecular consequence: missense variant.
Genome position (GRCh38, 1-based): chr4:5,752,963, G>T. VCF-style: chr4-5752963-G-T. GRCh37 (hg19) VCF-style: chr4-5754690-G-T.
Other names: c.1226G>T, p.Gly409Val (NM_001306090.2, NM_001306092.2); short protein forms G409V.
Identifiers: ClinVar variation 655374 (VCV000655374.9), dbSNP rs1577440027, ClinGen allele CA356153798.
Genomic context (GRCh38, chr4:5,752,963, plus strand): 5'-TCCAGGAGGAGACCAGGTGCCGGCTGGCTGCCATCTCCCACGGCCTGGAGCTGCTGGCTG[G>T]TGAGGGGAAGCTGTCCGGGCGGCAGAAGGAGGAGCTGCTCACGCAGCAGCACAAGGCCTT-3'
Protein context (NP_714928.1, residues 399-419): AISHGLELLA[Gly409Val]EGKLSGRQKE